The following is an entry in ClinVar:

NM_001367943.1(TCF7L2):c.1627C>T (p.Leu543=)

Gene: TCF7L2 (transcription factor 7 like 2; plus strand). Cytogenetic location: 10q25.3.
Variant type: single nucleotide variant.
Coding change: c.1627C>T on transcript NM_001367943.1 (MANE Select); coding-DNA position 1627, C replaced by T.
Protein change: p.Leu543=; no amino-acid change (leucine 543 retained).
Molecular consequence: synonymous variant. On other transcripts: 3 prime UTR variant (12).
Genome position (GRCh38, 1-based): chr10:113,165,739, C>T. VCF-style: chr10-113165739-C-T. GRCh37 (hg19) VCF-style: chr10-114925498-C-T.
Other names: c.1576C>T, p.Leu526= (NM_001146274.2); c.*105C>T (NM_001146283.2, NM_001146284.2, NM_001146286.2 and 4 more transcripts); c.1507C>T, p.Leu503= (NM_001146285.2, NM_001198526.2); c.*215C>T (NM_001198525.2); c.*203C>T (NM_001198527.2, NM_001198528.2, NM_001349870.2 and 1 more transcripts); c.1558C>T, p.Leu520= (NM_030756.5).
Identifiers: ClinVar variation 3904916 (VCV003904916.10).

ClinVar aggregate classification (germline): Likely benign (1 of 4 stars; one submission).

gnomAD v4.1: 12 of 1,612,842 alleles (0.00074%); highest among the groups gnomAD compares: Middle Eastern, 0.033%; no homozygotes.

Submission:

CeGaT Center for Human Genetics Tuebingen
Classification: Likely benign. Last evaluated: 2025-05-01. Review status: criteria provided, single submitter. Criteria: CeGaT Center For Human Genetics Tuebingen Variant Classification Criteria Version 2. Collection method: clinical testing. Allele origin: germline. Affected: yes. Observed: 1 variant allele.
Comment: TCF7L2: BP4